The following is an entry in ClinVar:

NM_001042492.3(NF1):c.1873C>A (p.Leu625Ile)

Gene: NF1 (neurofibromin 1; plus strand). Cytogenetic location: 17q11.2.
Variant type: single nucleotide variant.
Coding change: c.1873C>A on transcript NM_001042492.3 (MANE Select); coding-DNA position 1873, C replaced by A.
Protein change: p.Leu625Ile; replaces leucine 625 with isoleucine.
Molecular consequence: missense variant.
Genome position (GRCh38, 1-based): chr17:31,225,122, C>A. VCF-style: chr17-31225122-C-A. GRCh37 (hg19) VCF-style: chr17-29552140-C-A.
Other names: c.1873C>A, p.Leu625Ile (NM_000267.4); short protein forms L625I.
Identifiers: ClinVar variation 1044778 (VCV001044778.7), dbSNP rs2066990176, ClinGen allele CA399005127.
Genomic context (GRCh38, chr17:31,225,122, plus strand): 5'-TTCAGTAAAGCTTATTTATTTATTTTTTTCTAGCAGGCAGATAGAAGTTCCTGTCACTTT[C>A]TCCTTTTTTACGGGGTAGGATGTGATATTCCTTCTAGTGGAAATACCAGTCAAATGTCCA-3'
Protein context (NP_001035957.1, residues 615-635): KQADRSSCHF[Leu625Ile]LFYGVGCDIP

ClinVar aggregate classification (germline): Conflicting classifications of pathogenicity. Review status: criteria provided, conflicting classifications (1 of 4 stars). 2 submissions from 2 submitters: Uncertain significance (1); Likely benign (1). Last evaluated 2026-06-12.

Conditions:
Neurofibromatosis, type 1 (NF1). Also called: NEUROFIBROMATOSIS, TYPE I, SOMATIC; Neurofibromatosis, type I; VON RECKLINGHAUSEN DISEASE; Peripheral type neurofibromatosis. Identifiers: Orphanet 636, MedGen C0027831, MONDO:0018975, OMIM 162200. Disease mechanism: loss of function.
Cardiovascular phenotype. Identifiers: MedGen CN230736.
Hereditary cancer-predisposing syndrome. Also called: Hereditary neoplastic syndrome; Neoplastic Syndromes, Hereditary; Tumor predisposition; Hereditary Cancer Syndrome. Identifiers: Orphanet 140162, MedGen C0027672, MeSH D009386, MONDO:0015356.

Submissions (2):

Ambry Genetics
Classification: Likely benign for Cardiovascular phenotype; Hereditary cancer-predisposing syndrome. Last evaluated: 2026-06-12. Review status: criteria provided, single submitter. Criteria: Ambry Variant Classification Scheme 2023. Collection method: clinical testing. Allele origin: germline.

Labcorp Genetics (formerly Invitae), Labcorp
Classification: Uncertain significance for Neurofibromatosis, type 1. Last evaluated: 2025-07-17. Review status: criteria provided, single submitter. Criteria: Invitae Variant Classification Sherloc (09022015). Collection method: clinical testing. Allele origin: germline.
Comment: This sequence change replaces leucine, which is neutral and non-polar, with isoleucine, which is neutral and non-polar, at codon 625 of the NF1 protein (p.Leu625Ile). This variant is not present in population databases (gnomAD no frequency). This variant has not been reported in the literature in individuals affected with NF1-related conditions. ClinVar contains an entry for this variant (Variation ID: 1044778). Invitae Evidence Modeling of protein sequence and biophysical properties (such as structural, functional, and spatial information, amino acid conservation, physicochemical variation, residue mobility, and thermodynamic stability) indicates that this missense variant is not expected to disrupt NF1 protein function with a negative predictive value of 95%. In summary, the available evidence is currently insufficient to determine the role of this variant in disease. Therefore, it has been classified as a Variant of Uncertain Significance.